The following is an entry in ClinVar:

ClinVar aggregate classification (germline): Uncertain significance (1 of 4 stars; one submission).

Allele frequency attached by ClinVar (database versions not stated): gnomAD exomes below 0.00001.
gnomAD v4.1: 3 of 1,594,510 alleles (0.00019%); highest among the groups gnomAD compares: Non-Finnish European, 0.00026%; no homozygotes.

Submission:

Labcorp Genetics (formerly Invitae), Labcorp
Classification: Uncertain significance. Last evaluated: 2022-09-28. Review status: criteria provided, single submitter. Criteria: Invitae Variant Classification Sherloc (09022015). Collection method: clinical testing. Allele origin: germline.
Comment: This variant has not been reported in the literature in individuals affected with DCHS1-related conditions. Advanced modeling of protein sequence and biophysical properties (such as structural, functional, and spatial information, amino acid conservation, physicochemical variation, residue mobility, and thermodynamic stability) has been performed at Invitae for this missense variant, however the output from this modeling did not meet the statistical confidence thresholds required to predict the impact of this variant on DCHS1 protein function. In summary, the available evidence is currently insufficient to determine the role of this variant in disease. Therefore, it has been classified as a Variant of Uncertain Significance. The frequency data for this variant in the population databases is considered unreliable, as metrics indicate poor data quality at this position in the gnomAD database. This sequence change replaces leucine, which is neutral and non-polar, with proline, which is neutral and non-polar, at codon 2728 of the DCHS1 protein (p.Leu2728Pro).

NM_003737.4(DCHS1):c.8183T>C (p.Leu2728Pro)

Gene: DCHS1 (dachsous cadherin-related 1; minus strand). Cytogenetic location: 11p15.4.
Variant type: single nucleotide variant.
Coding change: c.8183T>C on transcript NM_003737.4 (MANE Select); coding-DNA position 8183, T replaced by C.
Protein change: p.Leu2728Pro; replaces leucine 2728 with proline.
Molecular consequence: missense variant.
Genome position (GRCh38, 1-based): chr11:6,623,493, A>G on the plus strand (T>C on the coding strand, the complement: DCHS1 is on the minus strand). VCF-style: chr11-6623493-A-G. GRCh37 (hg19) VCF-style: chr11-6644724-A-G.
Other names: short protein forms L2728P.
Identifiers: ClinVar variation 2013198 (VCV002013198.4), dbSNP rs1354113251, ClinGen allele CA379481544.
Genomic context (GRCh38, chr11:6,623,493, plus strand): 5'-GCCTCCAACAGGCTGTAACGGAGCCTCCCAAAAGCCCCAGCATCCCCGTCGATTGCATGC[A>G]GAGTGGTCACGAGAGTGCCTGGAGGCTGATTCTCGGCCACGCTGGTGCTGAGTAAGTTCA-3'
Protein context (NP_003728.1, residues 2718-2738): NQPPGTLVTT[Leu2728Pro]HAIDGDAGAF